The following continues an entry in ClinVar:

NM_000237.3(LPL):c.644G>A (p.Gly215Glu)

Gene: LPL. ClinVar aggregate classification (germline): Pathogenic/Likely pathogenic. Pathogenic (20); Likely pathogenic (2).

Submissions 9 to 22 of 26:

Victorian Clinical Genetics Services, Murdoch Childrens Research Institute
Classification: Pathogenic for Hyperlipoproteinemia, type I. Last evaluated: 2024-10-09. Review status: criteria provided, single submitter. Criteria: ACMG Guidelines, 2015. Collection method: clinical testing. Allele origin: germline. Inheritance: Autosomal recessive inheritance.
Comment: Based on the classification scheme VCGS_Germline_v1.3.4, this variant is classified as Pathogenic. Following criteria are met: 0102 - Loss of function is a known mechanism of disease in this gene and is associated with dominant familial combined hyperlipidaemia (MIM#144250) and recessive lipoprotein lipase deficiency (MIM#238600) known as type I hyperlipoproteinaemia (T1HLP). (I) 0108 - This gene is associated with both recessive and dominant disease (OMIM). (I) 0200 - Variant is predicted to result in a missense amino acid change from glycine to glutamic acid. (I) 0251 - This variant is heterozygous. (I) 0304 - Variant is present in gnomAD (v2) <0.01 (50 heterozygotes, 0 homozygotes). (SP) 0502 - Missense variant with conflicting in silico predictions and uninformative conservation. (I) 0600 - Variant is located in the annotated lipase domain (DECIPHER). (I) 0801 - This variant has strong previous evidence of pathogenicity in unrelated individuals. This variant is a well reported pathogenic variant. It has been observed in homozygous and compound heterozygous individuals with lipoprotein lipase deficiency (ClinVar, PMID: 30210108, 28445021). In one family, 10 of 11 heterozygous carriers had low HDL cholesterol levels, and three had high triglyceride values (PMID: 28445021). (I) Legend: (SP) - Supporting pathogenic, (I) - Information, (SB) - Supporting benign

Blueprint Genetics
Classification: Pathogenic for LPL-related disorders. Last evaluated: 2024-08-29. Review status: criteria provided, single submitter. Criteria: ACMG Guidelines, 2015. Collection method: clinical testing. Allele origin: germline. Affected: yes. Observed: 5 variant alleles.

Broad Center for Mendelian Genomics, Broad Institute of MIT and Harvard
Classification: Likely pathogenic for Hyperlipidemia, familial combined, LPL related. Last evaluated: 2024-08-05. Review status: criteria provided, single submitter. Criteria: ACMG Guidelines, 2015. Collection method: curation. Allele origin: germline. Inheritance: Autosomal dominant inheritance.
Comment: The p.Gly215Glu variant in LPL has been reported in >10 individuals with familial combined hyperlipidemia (PMID: 1975597, 1969408, 11334614, 30352774, 36274861, 36476373, 35460704, 22095987), but has been identified in 0.2% (2/912) of Amish chromosomes and other populations at a lesser frequency by the Genome Aggregation Database (gnomAD; dbSNP rs118204057). Please note that for diseases with clinical variability, or reduced penetrance, pathogenic variants may be present at frequency higher than expected in the general population. In vitro functional studies provide some evidence that the p.Gly215Glu variant may slightly impact protein function (PMID: 1969408, 29288010). However, these types of assays may not accurately represent biological function. Computational prediction tools and conservation analyses suggest that this variant may impact the protein, though this information is not predictive enough to determine pathogenicity. In summary, although additional studies are required to fully establish its clinical significance, this variant is likely pathogenic for autosomal dominant familial combined hyperlipidemia. ACMG/AMP Criteria applied: PS4_strong, PP3, PS3_supporting (Richards 2015).

Molecular Diagnostic Laboratory for Inherited Cardiovascular Disease, Montreal Heart Institute
Classification: Pathogenic for Cardiovascular phenotype. Last evaluated: 2024-03-01. Review status: criteria provided, single submitter. Criteria: ACMG Guidelines, 2015. Collection method: clinical testing. Allele origin: germline. Affected: yes.
Comment: PS3;PS4;PP1_strong;PM1;PM2;PM3;PP3;PP4;PP5.

Revvity Omics, Revvity
Classification: Pathogenic. Last evaluated: 2023-08-25. Review status: criteria provided, single submitter. Criteria: ACMG Guidelines, 2015. Collection method: clinical testing. Allele origin: germline.

New York Genome Center
Classification: Pathogenic for Hyperlipidemia, familial combined, LPL related. Last evaluated: 2022-06-17. Review status: criteria provided, single submitter. Criteria: NYGC Assertion Criteria 2020. Collection method: clinical testing. Allele origin: germline. Affected: yes. Observed: 2 heterozygotes. Clinical features observed: Hyperlipidemia (HP:0003077), Hypertriglyceridemia (HP:0002155), Diabetes mellitus (HP:0000819).
Comment: The c.644G>A p.(Gly215Glu) variant [historically called p.(Gly188Glu) in the literature] has previously been reported in multiple individuals in homozygous or compound heterozygous state with lipoprotein lipase deficiency [PMID: 1975597, 29288010, 29748148, 30210108, 27055971, 1969408, 1351946]. Moreover, the variant co-segregated with the disease in multiple affected family members [PMID:26337181, 1969408]. In the heterozygous sate, this variant has been reported in individuals with elevated triglyceride levels [PMID: 24793350, 2719595, 22239554, 27055971]. The variant has been deposited in ClinVar [ClinVar ID: 1522] as LikelyPathogenic/Pathogenic (6 entries) and Variant of Uncertain Significance (1 entry). The c.644G>A variant is observed in 85 alleles (0.00021 minor allele frequency with0 homozygotes) in population databases (gnomAD v2.1.1 and v3.1.2). The c.644G>A variant is located in exon 5 of this 10-exon gene and is predicted to replace an evolutionarily conserved glycine amino acid with glutamic acid at codon 215 in the lipase domain of the encoded protein [PMID: 34544385]. In silico predictions are in favor of the damaging effect for the p.(Gly215Glu) variant [REVEL score =0.705]. In vitro functional studies demonstrated reduced catalytic activity and protein function in HEK293T and COS-1 cells carrying c.644G>A variant [PMID: 1400331, 29288010, 1969408]. Based on available evidence this c.644G>A p.(Gly215Glu) variant identified in LPL is classified as Pathogenic.

GeneDx
Classification: Pathogenic. Last evaluated: 2022-02-22. Review status: criteria provided, single submitter. Criteria: GeneDx Variant Classification Process June 2021. Collection method: clinical testing. Allele origin: germline. Affected: yes.
Comment: Reported in the heterozygous state in association with hyperlipoproteinemia or hypertriglyceridemia (Chokshi et al., 2014; Johansen et al., 2014; Rodrigues et al., 2016); Reported in ClinVar as pathogenic (ClinVar Variant ID# 1522; ClinVar); Functional studies have demonstrated that G215E results in a complete loss of catalytic activity (Hata et al., 1992); This variant is associated with the following publications: (PMID: 28534127, 1619366, 1969408, 12905705, 18922999, 24793350, 24503134, 27055971, 24747307, 22095987, 24493316, 1975597, 1400331, 30150141, 29748148, 30210108, 32472350, 28438574, 29288010, 34426522, 31589614, 32041611, 33303402, 1351946)

AiLife Diagnostics
Classification: Likely pathogenic. Last evaluated: 2022-02-21. Review status: criteria provided, single submitter. Criteria: ACMG Guidelines, 2015. Collection method: clinical testing. Allele origin: germline. Affected: yes. Observed: 3 variant alleles.

Dasa
Classification: Pathogenic for Hyperlipoproteinemia, type I. Last evaluated: 2022-01-05. Review status: criteria provided, single submitter. Criteria: ACMG Guidelines, 2015. Collection method: clinical testing. Allele origin: germline. Affected: yes. Observed: 1 variant allele.
Comment: The c.644G>A;p.(Gly215Glu) missense variant has been observed in affected individual(s) and ClinVar contains an entry for this variant (Clinvar ID: 1522; PMID: 29288010; 22095987; 9401010; 1351946; PMID: 26337181) - PS4. Well-established in vitro or in vivo functional studies support a damaging effect on the gene or gene product (PMID: 29288010) - PS3_supporting. The variant is present at low allele frequencies population databases (rs118204057– gnomAD 0.002432%; ABraOM no frequency) - PM2_supporting. The p.(Gly215Glu) was detected in trans with a pathogenic variant (PMID: 29288010; 22095987; 9401010; 1351946; 26337181) - PM3_strong. The variant co-segregated with disease in multiple affected family members (PMID: 26337181) - PP1. Multiple lines of computational evidence support a deleterious effect on the gene or gene product - PP3. The variant was observed in trans with a pathogenic variant for a fully penetrant dominant gene/disorder or observed in cis with a pathogenic variant in any inheritance pattern (PMID: 29288010) - BP2. In summary, the currently available evidence indicates that the variant is pathogenic.

Cardiovascular Genetics Laboratory, PathWest Laboratory Medicine WA - Fiona Stanley Hospital
Classification: Pathogenic for Hyperlipoproteinemia, type I. Last evaluated: 2021-07-30. Review status: criteria provided, single submitter. Criteria: ACMG Guidelines, 2015. Collection method: clinical testing. Allele origin: germline.
Comment: LPL Gly215Glu (legacy numbering G188E) has been found in homozygous form in patients with lipoprotein lipase (LPL) deficiency, and results in the production of catalytically inactive LPL (PMID: 1969408, 29288010, 1400331)

Human Genome Sequencing Center Clinical Lab, Baylor College of Medicine
Classification: Pathogenic for Hyperlipidemia, familial combined, LPL related. Last evaluated: 2019-08-29. Review status: criteria provided, single submitter. Criteria: ACMG Guidelines, 2015. Collection method: clinical testing. Allele origin: germline.
Comment: The c.644G>A (p.Gly215Glu) variant (also known as Gly188Glu, rs118204057) in the LPL gene has been reported numerous times in association with autosomal recessive LPL deficiency when present in the homozygous or compound heterozygous state (PMID: 1975597, 29288010, 29748148). It has also been reported in association with significantly elevated triglyceride levels and pancreatitis in the heterozygous state (PMID: 24793350, 2719595, 22239554). This variant is present in 50/282856 alleles in the gnomAD population database. Functional studies show a loss of enzyme activity resulting from this variant (PMID: 1400331). This variant is considered pathogenic.

Fulgent Genetics
Classification: Pathogenic for Hyperlipidemia, familial combined, LPL related; Hyperlipoproteinemia, type I. Last evaluated: 2018-10-31. Review status: criteria provided, single submitter. Criteria: ACMG Guidelines, 2015. Collection method: clinical testing. Allele origin: unknown.

Clinical Genetics Service, Universitary Hospital 12 de Octubre
Classification: Pathogenic for Hyperlipoproteinemia, type I. Review status: criteria provided, single submitter. Criteria: ACMG Guidelines, 2015. Collection method: clinical testing. Allele origin: germline. Affected: yes.

Kasturba Medical College, Manipal, Kasturba Medical College, Manipal, Manipal Academy of Higher Education, Manipal, India
Classification: Pathogenic for Hyperlipoproteinemia, type I. Review status: criteria provided, single submitter. Criteria: ACMG Guidelines, 2015. Collection method: clinical testing. Allele origin: biparental. Inheritance: Autosomal recessive inheritance. Affected: yes. Observed: 1 homozygote.